The following is an entry in ClinVar:

NM_001040616.3(LINS1):c.525G>T (p.Gln175His)

Gene: LINS1 (lines homolog 1; minus strand). Cytogenetic location: 15q26.3.
Variant type: single nucleotide variant.
Coding change: c.525G>T on transcript NM_001040616.3 (MANE Select); coding-DNA position 525, G replaced by T.
Protein change: p.Gln175His; replaces glutamine 175 with histidine.
Molecular consequence: missense variant. On other transcripts: 5 prime UTR variant (1), non-coding transcript variant (3).
Genome position (GRCh38, 1-based): chr15:100,575,093, C>A on the plus strand (G>T on the coding strand, the complement: LINS1 is on the minus strand). VCF-style: chr15-100575093-C-A. GRCh37 (hg19) VCF-style: chr15-101115298-C-A.
Other names: c.-223G>T (NM_001352507.2); c.480G>T, p.Gln160His (NM_001352508.2); short protein forms Q160H, Q175H.
Identifiers: ClinVar variation 1799598 (VCV001799598.2), dbSNP rs140657207, ClinGen allele CA7759659.

ClinVar aggregate classification (germline): Uncertain significance (1 of 4 stars; one submission).

Conditions:
Inborn genetic diseases. Identifiers: MedGen C0950123, MeSH D030342.

Allele frequency attached by ClinVar (database versions not stated): gnomAD exomes 0.00002; ExAC 0.00006; gnomAD 0.00015; TOPMed 0.00022; ESP Exome Variant Server 0.00023.
gnomAD v4.1: 47 of 1,612,502 alleles (0.0029%); highest among the groups gnomAD compares: African/African-American, 0.053%; no homozygotes.

Submission:

Ambry Genetics
Classification: Uncertain significance for Inborn genetic diseases. Last evaluated: 2020-03-18. Review status: criteria provided, single submitter. Criteria: Ambry Variant Classification Scheme 2023. Collection method: clinical testing. Allele origin: germline.
Comment: The p.Q175H variant (also known as c.525G>T), located in coding exon 3 of the LINS gene, results from a G to T substitution at nucleotide position 525. The glutamine at codon 175 is replaced by histidine, an amino acid with highly similar properties. This amino acid position is not well conserved in available vertebrate species, and histidine is the reference amino acid in other vertebrate species. In addition, this alteration is predicted to be tolerated by in silico analysis. Since supporting evidence is limited at this time, the clinical significance of this alteration remains unclear.